The following is an entry in ClinVar:

ClinVar aggregate classification (germline): Uncertain significance. Review status: criteria provided, multiple submitters, no conflicts (2 of 4 stars). 2 submissions from 2 submitters: Uncertain significance (2). Last evaluated 2025-09-11.

Conditions:
Inborn genetic diseases. Identifiers: MedGen C0950123, MeSH D030342.

gnomAD v4.1: 15 of 1,614,070 alleles (0.00093%); highest among the groups gnomAD compares: African/African-American, 0.0027%; 1 homozygote.

Submissions (2):

Labcorp Genetics (formerly Invitae), Labcorp
Classification: Uncertain significance. Last evaluated: 2025-09-11. Review status: criteria provided, single submitter. Criteria: Invitae Variant Classification Sherloc (09022015). Collection method: clinical testing. Allele origin: germline.
Comment: This sequence change replaces arginine, which is basic and polar, with histidine, which is basic and polar, at codon 1354 of the CAMTA1 protein (p.Arg1354His). This variant is present in population databases (rs752632950, gnomAD 0.004%). This variant has not been reported in the literature in individuals affected with CAMTA1-related conditions. Invitae Evidence Modeling of protein sequence and biophysical properties (such as structural, functional, and spatial information, amino acid conservation, physicochemical variation, residue mobility, and thermodynamic stability) indicates that this missense variant is not expected to disrupt CAMTA1 protein function with a negative predictive value of 80%. In summary, the available evidence is currently insufficient to determine the role of this variant in disease. Therefore, it has been classified as a Variant of Uncertain Significance.

Ambry Genetics
Classification: Uncertain significance for Inborn genetic diseases. Last evaluated: 2025-08-10. Review status: criteria provided, single submitter. Criteria: Ambry Variant Classification Scheme 2023. Collection method: clinical testing. Allele origin: germline.

NM_015215.4(CAMTA1):c.4061G>A (p.Arg1354His)

Genes: CAMTA1 (calmodulin binding transcription activator 1; plus strand), LOC126805603 (CDK7 strongly-dependent group 2 enhancer GRCh37_chr1:7798026-7799225; plus strand). Cytogenetic location: 1p36.23.
Variant type: single nucleotide variant.
Coding change: c.4061G>A on transcript NM_015215.4 (MANE Select); coding-DNA position 4061, G replaced by A.
Protein change: p.Arg1354His; replaces arginine 1354 with histidine.
Molecular consequence: missense variant.
Genome position (GRCh38, 1-based): chr1:7,738,361, G>A. VCF-style: chr1-7738361-G-A. GRCh37 (hg19) VCF-style: chr1-7798421-G-A.
Other names: c.3971G>A, p.Arg1324His (NM_001349608.2); c.3722G>A, p.Arg1241His (NM_001349609.2, NM_001349610.2, NM_001410737.1); c.3632G>A, p.Arg1211His (NM_001349612.2); c.1190G>A, p.Arg397His (NM_001349613.1); c.1133G>A, p.Arg378His (NM_001349614.1, NM_001349615.2, NM_001349616.2 and 2 more transcripts); c.794G>A, p.Arg265His (NM_001349619.2, NM_001349620.1, NM_001349621.1 and 5 more transcripts); c.3650G>A, p.Arg1217His (NM_001410738.1); short protein forms R1211H, R1241H, R1354H, R397H, R1324H, R265H, R378H, R1217H.
Identifiers: ClinVar variation 4218601 (VCV004218601.2).